The following is an entry in ClinVar:

ClinVar aggregate classification (germline): Pathogenic. Review status: criteria provided, multiple submitters, no conflicts (2 of 4 stars). 3 submissions from 3 submitters: Pathogenic (3). Last evaluated 2025-09-29.

Conditions:
Niemann-Pick disease, type A. Also called: Infantile Neurovisceral ASMD (Niemann-Pick Disease Type A; NPD-A); SPHINGOMYELIN LIPIDOSIS; SPHINGOMYELINASE DEFICIENCY. Identifiers: Orphanet 77292, MedGen C0268242, MONDO:0009756, OMIM 257200. Disease mechanism: loss of function.
Niemann-Pick disease, type B. Also called: Chronic Visceral ASMD (Niemann-Pick Disease Type B; NPD-B). Identifiers: Orphanet 77293, MedGen C0268243, MONDO:0011871, OMIM 607616. Disease mechanism: loss of function.

Allele frequency attached by ClinVar (database versions not stated): gnomAD exomes below 0.00001; TOPMed below 0.00001.

Submissions (3):

Natera, Inc.
Classification: Pathogenic for Niemann-Pick Disease, Types A/B. Last evaluated: 2025-09-29. Review status: criteria provided, single submitter. Criteria: Natera Variant Classification Schema (03/2026). Collection method: clinical testing. Allele origin: germline.
Comment: The c.839A>C variant in SMPD1 is a missense variant predicted to cause substitution of aspartic acid to alanine at amino acid 280. This variant is rare in the general population with a frequency below the threshold expected for the associated phenotype(s). This variant has been observed in one or more individuals affected with the associated recessive disease, as either homozygous or compound heterozygous with a second variant (PMID: 15877209). This variant has been observed to segregate in affected family members (PMID: 15877209). Functional studies show that this variant may disrupt protein function (PMID: 15877209). Given the available evidence, this variant is classified as Pathogenic.

Labcorp Genetics (formerly Invitae), Labcorp
Classification: Pathogenic for Niemann-Pick disease, type B; Niemann-Pick disease, type A. Last evaluated: 2024-02-02. Review status: criteria provided, single submitter. Criteria: Invitae Variant Classification Sherloc (09022015). Collection method: clinical testing. Allele origin: germline.
Comment: This sequence change replaces aspartic acid, which is acidic and polar, with alanine, which is neutral and non-polar, at codon 280 of the SMPD1 protein (p.Asp280Ala). This variant is not present in population databases (gnomAD no frequency). This missense change has been observed in individual(s) with Niemann-Pick disease (PMID: 15877209). It has also been observed to segregate with disease in related individuals. This variant is also known as D278A. ClinVar contains an entry for this variant (Variation ID: 1076908). Advanced modeling of protein sequence and biophysical properties (such as structural, functional, and spatial information, amino acid conservation, physicochemical variation, residue mobility, and thermodynamic stability) performed at Invitae indicates that this missense variant is expected to disrupt SMPD1 protein function with a positive predictive value of 95%. Experimental studies have shown that this missense change affects SMPD1 function (PMID: 15877209). For these reasons, this variant has been classified as Pathogenic.

Baylor Genetics
Classification: Pathogenic for Niemann-Pick disease, type A. Last evaluated: 2024-01-25. Review status: criteria provided, single submitter. Criteria: ACMG Guidelines, 2015. Collection method: clinical testing. Allele origin: unknown.

Literature cited by the submitters: PubMed 15877209 (cited by Natera, Inc. and Labcorp Genetics (formerly Invitae), Labcorp).

NM_000543.5(SMPD1):c.839A>C (p.Asp280Ala)

Gene: SMPD1 (sphingomyelin phosphodiesterase 1; plus strand). Cytogenetic location: 11p15.4.
Variant type: single nucleotide variant.
Coding change: c.839A>C on transcript NM_000543.5 (MANE Select); coding-DNA position 839, A replaced by C.
Protein change: p.Asp280Ala; replaces aspartic acid 280 with alanine.
Molecular consequence: missense variant. On other transcripts: 5 prime UTR variant (1), non-coding transcript variant (1).
Genome position (GRCh38, 1-based): chr11:6,391,904, A>C. VCF-style: chr11-6391904-A-C. GRCh37 (hg19) VCF-style: chr11-6413134-A-C.
Other names: c.836A>C, p.Asp279Ala (NM_001007593.3); c.839A>C, p.Asp280Ala (NM_001318087.2, NM_001365135.2); c.-123A>C (NM_001318088.2); c.839A>C (NM_000543.4); short protein forms D279A, D280A.
Identifiers: ClinVar variation 1076908 (VCV001076908.12), dbSNP rs1847935299, ClinGen allele CA379371121.
Genomic context (GRCh38, chr11:6,391,904, plus strand): 5'-AGAGCCTGTTGAGTGGGCTGGGCCCAGCCGGCCCTTTTGATATGGTGTACTGGACAGGAG[A>C]CATCCCCGCACATGATGTCTGGCACCAGACTCGTCAGGACCAACTGCGGGCCCTGACCAC-3'
Protein context (NP_000534.3, residues 270-290): GPFDMVYWTG[Asp280Ala]IPAHDVWHQT